The following is an entry in ClinVar:

ClinVar aggregate classification (germline): Conflicting classifications of pathogenicity. Review status: criteria provided, conflicting classifications (1 of 4 stars). 2 submissions from 2 submitters: Uncertain significance (1); Likely benign (1). Last evaluated 2025-12-20.

Conditions:
MEGF10-related myopathy (CMYO10A). Also called: Congenital myopathy 10A, severe variant. Identifiers: Orphanet 439212, MedGen C3280679, MONDO:0013731, OMIM 614399.

Allele frequency attached by ClinVar (database versions not stated): TOPMed 0.00003; gnomAD 0.00005 and 0.00006; gnomAD exomes 0.00005; ExAC 0.00006; ESP Exome Variant Server 0.00008.
gnomAD v4.1: 38 of 1,613,032 alleles (0.0024%); highest among the groups gnomAD compares: African/African-American, 0.012%; no homozygotes.

Submissions (2):

Labcorp Genetics (formerly Invitae), Labcorp
Classification: Likely benign for MEGF10-related myopathy. Last evaluated: 2025-12-20. Review status: criteria provided, single submitter. Criteria: Invitae Variant Classification Sherloc (09022015). Collection method: clinical testing. Allele origin: germline.

GeneDx
Classification: Uncertain significance. Last evaluated: 2017-03-06. Review status: criteria provided, single submitter. Criteria: GeneDx Variant Classification (06012015). Collection method: clinical testing. Allele origin: germline. Affected: yes.
Comment: The c.1959 C>T variant has not been published as a pathogenic variant, nor has it been reported as a benign variant to our knowledge. The c.1959 C>T variant is observed in 3/10260 (0.03%) alleles from individuals of African background (Lek et al., 2016; 1000 Genomes Consortium et al., 2015; Exome Variant Server). This nucleotide change results in a synonymous amino acid substitution at a position that is not conserved. Multiple in silico algorithms predict c.1959 C>T may create a cryptic splice acceptor site and alter gene splicing; however, in the absence of RNA/functional studies the actual effect of c.1959 C>T on splicing in this individual is unknown.

NM_001256545.2(MEGF10):c.1959C>T (p.Gly653=)

Gene: MEGF10 (multiple EGF like domains 10; plus strand). Cytogenetic location: 5q23.2.
Variant type: single nucleotide variant.
Coding change: c.1959C>T on transcript NM_001256545.2 (MANE Select); coding-DNA position 1959, C replaced by T.
Protein change: p.Gly653=; no amino-acid change (glycine 653 retained).
Molecular consequence: synonymous variant.
Genome position (GRCh38, 1-based): chr5:127,434,805, C>T. VCF-style: chr5-127434805-C-T. GRCh37 (hg19) VCF-style: chr5-126770497-C-T.
Other names: c.1959C>T, p.Gly653= (NM_032446.3).
Identifiers: ClinVar variation 423927 (VCV000423927.11), dbSNP rs146017981, ClinGen allele CA3391788.
Genomic context (GRCh38, chr5:127,434,805, plus strand): 5'-CAGCAGCGGGCCCTGCCACCACATCACCGGCCTGTGTGACTGCTTGCCTGGCTTCACAGG[C>T]GCCCTCTGCAATGAAGGTAAGGCACGAAGCATCCCGGACAGCTGGGTGGTGATGAGCACG-3'
Protein context (NP_001243474.1, residues 643-663): GLCDCLPGFT[Gly653=]ALCNEVCPSG